The following is an entry in ClinVar:

NM_000552.5(VWF):c.4146G>T (p.Leu1382=)

Gene: VWF (von Willebrand factor; minus strand). Cytogenetic location: 12p13.31.
Variant type: single nucleotide variant.
Coding change: c.4146G>T on transcript NM_000552.5 (MANE Select); coding-DNA position 4146, G replaced by T.
Protein change: p.Leu1382=; no amino-acid change (leucine 1382 retained).
Molecular consequence: synonymous variant.
Genome position (GRCh38, 1-based): chr12:6,019,272, C>A on the plus strand (G>T on the coding strand, the complement: VWF is on the minus strand). VCF-style: chr12-6019272-C-A. GRCh37 (hg19) VCF-style: chr12-6128438-C-A.
Other names: c.4146G>T (NM_000552.4).
Identifiers: ClinVar variation 627305 (VCV000627305.16), dbSNP rs140464171, ClinGen allele CA6402591.

ClinVar aggregate classification (germline): Conflicting classifications of pathogenicity. Review status: criteria provided, conflicting classifications (1 of 4 stars). 5 submissions from 5 submitters: Uncertain significance (2); Likely benign (3). Last evaluated 2025-07-21.

Conditions:
Inborn genetic diseases. Identifiers: MedGen C0950123, MeSH D030342.
Hereditary von Willebrand disease. Identifiers: Orphanet 903, MedGen C5703318, MONDO:0019565. Inheritance: Autosomal recessive or Autosomal dominant.

Allele frequency attached by ClinVar (database versions not stated): 1000 Genomes Project 30x 0.00031; 1000 Genomes Project 0.00040; TOPMed 0.00042; gnomAD 0.00044; ExAC 0.00049; ESP Exome Variant Server 0.00062.
gnomAD v4.1: 1,033 of 1,613,830 alleles (0.064%); highest among the groups gnomAD compares: Non-Finnish European, 0.082%; no homozygotes.

Submissions (5):

ARUP Laboratories, Molecular Genetics and Genomics, ARUP Laboratories
Classification: Likely benign. Last evaluated: 2025-07-21. Review status: criteria provided, single submitter. Criteria: ARUP Molecular Germline Variant Investigation Process 2024. Collection method: clinical testing. Allele origin: germline.

Quest Diagnostics Nichols Institute San Juan Capistrano
Classification: Uncertain significance. Last evaluated: 2025-06-16. Review status: criteria provided, single submitter. Criteria: Quest Diagnostics criteria. Collection method: clinical testing. Allele origin: unknown.
Comment: The VWF c.4146G>T (p.Leu1382=) synonymous variant has been reported in the published literature in individuals with type 3 von Willebrand disease (VWD) (PMIDs: 28971901 (2017), 19277422 (2009)), an individual with unspecified VWD (PMID: 31249928 (2018)), and an individual with known or suspected diagnosis of bleeding, thrombotic, and platelet disorder (PMID: 31064749 (2019)). The frequency of this variant in the general population (Genome Aggregation Database) is uninformative in the assessment of its pathogenicity. Analysis of this variant using software algorithms for the prediction of the effect of nucleotide changes on splicing yielded predictions that this variant does not affect VWF mRNA splicing. Based on the available information, we are unable to determine the clinical significance of this variant.

Women's Health and Genetics/Laboratory Corporation of America, LabCorp
Classification: Likely benign. Last evaluated: 2023-10-10. Review status: criteria provided, single submitter. Criteria: LabCorp Variant Classification Summary - May 2015. Collection method: clinical testing. Allele origin: germline.

Ambry Genetics
Classification: Likely benign for Inborn genetic diseases. Last evaluated: 2023-06-22. Review status: criteria provided, single submitter. Criteria: Ambry Variant Classification Scheme 2023. Collection method: clinical testing. Allele origin: germline.

NIHR Bioresource Rare Diseases, University of Cambridge
Classification: Uncertain significance for von Willebrand disorder. Last evaluated: 2019-02-01. Review status: criteria provided, single submitter. Criteria: ACMG Guidelines, 2015. Collection method: research. Allele origin: unknown. Affected: yes. Observed: 1 heterozygote. Study: ThromboGenomics.

Literature cited by the submitters: PubMed 19277422 (cited by Quest Diagnostics Nichols Institute San Juan Capistrano); PubMed 31064749 (cited by Quest Diagnostics Nichols Institute San Juan Capistrano and NIHR Bioresource Rare Diseases, University of Cambridge); PubMed 31249928 (cited by Quest Diagnostics Nichols Institute San Juan Capistrano); PubMed 28971901 (cited by Quest Diagnostics Nichols Institute San Juan Capistrano).